The following is an entry in ClinVar:

NM_025074.7(FRAS1):c.1306G>A (p.Asp436Asn)

Gene: FRAS1 (Fraser extracellular matrix complex subunit 1; plus strand). Cytogenetic location: 4q21.21.
Variant type: single nucleotide variant.
Coding change: c.1306G>A on transcript NM_025074.7 (MANE Select); coding-DNA position 1306, G replaced by A.
Protein change: p.Asp436Asn; replaces aspartic acid 436 with asparagine.
Molecular consequence: missense variant.
Genome position (GRCh38, 1-based): chr4:78,284,455, G>A. VCF-style: chr4-78284455-G-A. GRCh37 (hg19) VCF-style: chr4-79205609-G-A.
Other names: c.1306G>A, p.Asp436Asn (NM_001166133.2); short protein forms D436N.
Identifiers: ClinVar variation 373335 (VCV000373335.3), dbSNP rs376124361, ClinGen allele CA2976252.
Genomic context (GRCh38, chr4:78,284,455, plus strand): 5'-TTGATTTCAGTTCATTGCCATCCAGATTGTTTGACATGCTCTCAGTCTCCAGACCACTGT[G>A]ACCTCTGCCAAGATCCTACCAAGTTACTGCAGAATGGATGGTGTGTGCACAGCTGTGGAC-3'
Protein context (NP_079350.5, residues 426-446): LTCSQSPDHC[Asp436Asn]LCQDPTKLLQ

ClinVar aggregate classification (germline): Uncertain significance. Review status: criteria provided, multiple submitters, no conflicts (2 of 4 stars). 2 submissions from 2 submitters: Uncertain significance (2). Last evaluated 2022-05-31.

Conditions:
Inborn genetic diseases. Identifiers: MedGen C0950123, MeSH D030342.

Allele frequency attached by ClinVar (database versions not stated): gnomAD exomes below 0.00001 and 0.00001; ExAC 0.00002; gnomAD 0.00003 and 0.00004; TOPMed 0.00003; ESP Exome Variant Server 0.00008.
gnomAD v4.1: 6 of 1,613,722 alleles (0.00037%); highest among the groups gnomAD compares: African/African-American, 0.008%; no homozygotes.

Submissions (2):

Ambry Genetics
Classification: Uncertain significance for Inborn genetic diseases. Last evaluated: 2022-05-31. Review status: criteria provided, single submitter. Criteria: Ambry Variant Classification Scheme 2023. Collection method: clinical testing. Allele origin: germline.

GeneDx
Classification: Uncertain significance. Last evaluated: 2016-11-14. Review status: criteria provided, single submitter. Criteria: GeneDx Variant Classification (06012015). Collection method: clinical testing. Allele origin: germline. Affected: yes.
Comment: The D436N variant in the FRAS1 gene has not been reported previously as a pathogenic variant, nor as a benign variant, to our knowledge. The D436N variant was not observed at any significant frequency in approximately 6300 individuals of European and African American ancestry in the NHLBI Exome Sequencing Project, indicating it is not a common benign variant in these populations. The D436N variant is a semi-conservative amino acid substitution, which may impact secondary protein structure as these residues differ in some properties. This substitution occurs at a position that is conserved in mammals. In silico analysis predicts this variant is probably damaging to the protein structure/function. We interpret D436N as a variant of uncertain significance.